The following is an entry in ClinVar:

ClinVar aggregate classification (germline): Conflicting classifications of pathogenicity. Review status: criteria provided, conflicting classifications (1 of 4 stars). 3 submissions from 3 submitters: Uncertain significance (2); Likely benign (1). Last evaluated 2025-01-28.

Conditions:
Cardiovascular phenotype. Identifiers: MedGen CN230736.
Dilated cardiomyopathy 1O (CMD1O). Also called: CARDIOMYOPATHY, DILATED, WITH VENTRICULAR TACHYCARDIA. Identifiers: Orphanet 154, MedGen C1837839, MONDO:0012062, OMIM 608569.

Allele frequency attached by ClinVar (database versions not stated): TOPMed 0.00002; gnomAD 0.00003; ExAC 0.00004; gnomAD exomes 0.00005; ESP Exome Variant Server 0.00008.
gnomAD v4.1: 27 of 1,613,748 alleles (0.0017%); highest among the groups gnomAD compares: Admixed American, 0.018%; no homozygotes.

Submissions (3):

GeneDx
Classification: Uncertain significance. Last evaluated: 2025-01-28. Review status: criteria provided, single submitter. Criteria: GeneDx Variant Classification Process June 2021. Collection method: clinical testing. Allele origin: germline. Affected: yes.
Comment: Reported in a patient with dilated cardiomyopathy; however, detailed clinical information was not provided (PMID: 31983221); In silico analysis indicates that this missense variant does not alter protein structure/function; This variant is associated with the following publications: (PMID: 31983221)

Labcorp Genetics (formerly Invitae), Labcorp
Classification: Uncertain significance for Dilated cardiomyopathy 1O. Last evaluated: 2024-07-02. Review status: criteria provided, single submitter. Criteria: Invitae Variant Classification Sherloc (09022015). Collection method: clinical testing. Allele origin: germline.
Comment: This sequence change replaces threonine, which is neutral and polar, with methionine, which is neutral and non-polar, at codon 877 of the ABCC9 protein (p.Thr877Met). This variant is present in population databases (rs140872303, gnomAD 0.03%). This missense change has been observed in individual(s) with dilated cardiomypathy (PMID: 31983221). ClinVar contains an entry for this variant (Variation ID: 240203). Advanced modeling of protein sequence and biophysical properties (such as structural, functional, and spatial information, amino acid conservation, physicochemical variation, residue mobility, and thermodynamic stability) performed at Invitae indicates that this missense variant is not expected to disrupt ABCC9 protein function with a negative predictive value of 80%. In summary, the available evidence is currently insufficient to determine the role of this variant in disease. Therefore, it has been classified as a Variant of Uncertain Significance.

Ambry Genetics
Classification: Likely benign for Cardiovascular phenotype. Last evaluated: 2023-12-08. Review status: criteria provided, single submitter. Criteria: Ambry Variant Classification Scheme 2023. Collection method: clinical testing. Allele origin: germline.

Literature cited by the submitters: PubMed 31983221 (cited by Labcorp Genetics (formerly Invitae), Labcorp).

NM_020297.4(ABCC9):c.2630C>T (p.Thr877Met)

Gene: ABCC9 (ATP binding cassette subfamily C member 9; minus strand). Cytogenetic location: 12p12.1.
Variant type: single nucleotide variant.
Coding change: c.2630C>T on transcript NM_020297.4 (MANE Select); coding-DNA position 2630, C replaced by T.
Protein change: p.Thr877Met; replaces threonine 877 with methionine.
Molecular consequence: missense variant.
Genome position (GRCh38, 1-based): chr12:21,852,381, G>A on the plus strand (C>T on the coding strand, the complement: ABCC9 is on the minus strand). VCF-style: chr12-21852381-G-A. GRCh37 (hg19) VCF-style: chr12-22005315-G-A.
Other names: c.2630C>T, p.Thr877Met (NM_001377273.1, NM_005691.4); c.1763C>T, p.Thr588Met (NM_001377274.1); c.2630C>T (NM_020297.2, NM_005691.2); short protein forms T877M, T588M.
Identifiers: ClinVar variation 240203 (VCV000240203.9), dbSNP rs140872303, ClinGen allele CA6481327.